The following is an entry in ClinVar:

NM_033305.3(VPS13A):c.3235+5T>C

Gene: VPS13A (vacuolar protein sorting 13 homolog A; plus strand). Cytogenetic location: 9q21.2.
Variant type: single nucleotide variant.
Coding change: c.3235+5T>C on transcript NM_033305.3 (MANE Select); 5 bases into the intron after coding-DNA position 3235, T replaced by C.
Molecular consequence: intron variant.
Genome position (GRCh38, 1-based): chr9:77,283,476, T>C. VCF-style: chr9-77283476-T-C. GRCh37 (hg19) VCF-style: chr9-79898392-T-C.
Other names: c.3119-71T>C (NM_001018037.2); c.3235+5T>C (NM_015186.4, NM_001018038.3).
Identifiers: ClinVar variation 4737293 (VCV004737293.1).

ClinVar aggregate classification (germline): Uncertain significance (1 of 4 stars; one submission).

gnomAD v4.1: 32 of 1,602,508 alleles (0.002%); highest among the groups gnomAD compares: African/African-American, 0.031%; no homozygotes.

Submission:

Labcorp Genetics (formerly Invitae), Labcorp
Classification: Uncertain significance. Last evaluated: 2025-11-06. Review status: criteria provided, single submitter. Criteria: Invitae Variant Classification Sherloc (09022015). Collection method: clinical testing. Allele origin: germline.
Comment: This sequence change falls in intron 30 of the VPS13A gene. It does not directly change the encoded amino acid sequence of the VPS13A protein. It affects a nucleotide within the consensus splice site. This variant is present in population databases (rs370140329, gnomAD 0.02%). This variant has not been reported in the literature in individuals affected with VPS13A-related conditions. Variants that disrupt the consensus splice site are a relatively common cause of aberrant splicing (PMID: 17576681, 9536098). Algorithms developed to predict the effect of sequence changes on RNA splicing suggest that this variant is not likely to affect RNA splicing. In summary, the available evidence is currently insufficient to determine the role of this variant in disease. Therefore, it has been classified as a Variant of Uncertain Significance.

Literature cited by the submitters: PubMed 17576681; PubMed 9536098.